The following is an entry in ClinVar:

ClinVar aggregate classification (germline): Uncertain significance (1 of 4 stars; one submission).

Conditions:
Hereditary cancer-predisposing syndrome. Also called: Neoplastic Syndromes, Hereditary; Tumor predisposition; Hereditary Cancer Syndrome; Hereditary neoplastic syndrome. Identifiers: Orphanet 140162, MedGen C0027672, MeSH D009386, MONDO:0015356.

Submission:

Ambry Genetics
Classification: Uncertain significance for Hereditary cancer-predisposing syndrome. Last evaluated: 2026-02-20. Review status: criteria provided, single submitter. Criteria: Ambry Variant Classification Scheme 2023. Collection method: clinical testing. Allele origin: germline.
Comment: The p.R1176I variant (also known as c.3527G>T), located in coding exon 6 of the MSH6 gene, results from a G to T substitution at nucleotide position 3527. The arginine at codon 1176 is replaced by isoleucine, an amino acid with similar properties. This amino acid position is conserved. In addition, this alteration is predicted to be deleterious by in silico analysis. Based on the available evidence, the clinical significance of this variant remains unclear.

NM_000179.3(MSH6):c.3527G>T (p.Arg1176Ile)

Gene: MSH6 (mutS homolog 6; plus strand). Cytogenetic location: 2p16.3.
Variant type: single nucleotide variant.
Coding change: c.3527G>T on transcript NM_000179.3 (MANE Select); coding-DNA position 3527, G replaced by T.
Protein change: p.Arg1176Ile; replaces arginine 1176 with isoleucine.
Molecular consequence: missense variant. On other transcripts: non-coding transcript variant (4).
Genome position (GRCh38, 1-based): chr2:47,804,998, G>T. VCF-style: chr2-47804998-G-T. GRCh37 (hg19) VCF-style: chr2-48032137-G-T.
Other names: c.3137G>T, p.Arg1046Ile (NM_001281492.2); c.2621G>T, p.Arg874Ile (NM_001281493.2, NM_001281494.2, NM_001406811.1 and 6 more transcripts); c.3623G>T, p.Arg1208Ile (NM_001406795.1, NM_001406802.1); c.3527G>T, p.Arg1176Ile (NM_001406796.1, NM_001406800.1, NM_001406808.1 and 1 more transcripts); c.3230G>T, p.Arg1077Ile (NM_001406797.1, NM_001406801.1, NM_001406805.1 and 10 more transcripts); c.3353G>T, p.Arg1118Ile (NM_001406798.1); c.3002G>T, p.Arg1001Ile (NM_001406799.1, NM_001406806.1, NM_001406807.1); c.2663G>T, p.Arg888Ile (NM_001406803.1); and 7 more; short protein forms R1001I, R1077I, R1120I, R1176I, R874I, R1150I, R125I, R491I.
Identifiers: ClinVar variation 4825279 (VCV004825279.1).